The following is an entry in ClinVar:

NM_000255.4(MMUT):c.683G>A (p.Arg228Gln)

Gene: MMUT (methylmalonyl-CoA mutase; minus strand). Cytogenetic location: 6p12.3.
Variant type: single nucleotide variant.
Coding change: c.683G>A on transcript NM_000255.4 (MANE Select); coding-DNA position 683, G replaced by A.
Protein change: p.Arg228Gln; replaces arginine 228 with glutamine.
Molecular consequence: missense variant.
Genome position (GRCh38, 1-based): chr6:49,457,761, C>T on the plus strand (G>A on the coding strand, the complement: MMUT is on the minus strand). VCF-style: chr6-49457761-C-T. GRCh37 (hg19) VCF-style: chr6-49425474-C-T.
Other names: c.683G>A (NM_000255.3); short protein forms R228Q.
Identifiers: ClinVar variation 2136408 (VCV002136408.6), dbSNP rs770810987, ClinGen allele CA3847070.
Genomic context (GRCh38, chr6:49,457,761, plus strand): 5'-TATTCAAATATGTCAGCAATAATTTTCATGGATGGTTCTGGAGGAAAAATGTATGTATTT[C>T]GAACCATAAATTCCTTTAGTATATCATTTTGGATGGTACCAGTAAGCTTCTCTTTAGGTA-3'
Protein context (NP_000246.2, residues 218-238): QNDILKEFMV[Arg228Gln]NTYIFPPEPS

ClinVar aggregate classification (germline): Pathogenic. Review status: criteria provided, multiple submitters, no conflicts (2 of 4 stars). 3 submissions from 3 submitters: Pathogenic (3). Last evaluated 2025-06-28.

Conditions:
Methylmalonic aciduria due to complete methylmalonyl-CoA mutase deficiency.
Methylmalonic aciduria due to methylmalonyl-CoA mutase deficiency (MAMM). Also called: Methylmalonic aciduria, mut type. Identifiers: Orphanet 27, MedGen C1855114, MONDO:0009612, OMIM 251000.

Allele frequency attached by ClinVar (database versions not stated): gnomAD 0.00001; TOPMed 0.00001; gnomAD exomes 0.00003.
gnomAD v4.1: 45 of 1,611,664 alleles (0.0028%); highest among the groups gnomAD compares: Non-Finnish European, 0.0036%; no homozygotes.

Submissions (3):

Immunogenetics and Transplant Biology Service, University Hospital "Città della Salute e della Scienza di Torino"
Classification: Pathogenic for Methylmalonic aciduria due to methylmalonyl-CoA mutase deficiency. Last evaluated: 2025-06-28. Review status: criteria provided, single submitter. Criteria: ACMG Guidelines, 2015. Collection method: clinical testing. Allele origin: germline. Affected: yes.

Natera, Inc.
Classification: Pathogenic for Methylmalonic aciduria due to complete methylmalonyl-CoA mutase deficiency. Last evaluated: 2024-05-31. Review status: criteria provided, single submitter. Criteria: Natera Variant Classification Schema (03/2026). Collection method: clinical testing. Allele origin: germline.
Comment: The c.683G>A variant in MMUT is a missense variant predicted to cause substitution of arginine to glutamine at amino acid 228. This variant is rare in the general population with a frequency below the threshold expected for the associated phenotype(s). This variant has been observed in one or more individuals affected with the associated recessive disease, as either homozygous or compound heterozygous with a second variant (PMID: 12402345, 27167370, 26077484, 16281286, 23430940, 34668645). Computational prediction algorithms indicate this variant is likely to affect gene or protein function. Given the available evidence, this variant is classified as Pathogenic.

Labcorp Genetics (formerly Invitae), Labcorp
Classification: Pathogenic. Last evaluated: 2024-02-14. Review status: criteria provided, single submitter. Criteria: Invitae Variant Classification Sherloc (09022015). Collection method: clinical testing. Allele origin: germline.
Comment: This sequence change replaces arginine, which is basic and polar, with glutamine, which is neutral and polar, at codon 228 of the MUT protein (p.Arg228Gln). This variant is present in population databases (rs770810987, gnomAD 0.003%). This missense change has been observed in individual(s) with methylmalonic acidemia (PMID: 9554742, 12402345, 16281286, 27233228, 31622506, 31998365). ClinVar contains an entry for this variant (Variation ID: 2136408). Advanced modeling of protein sequence and biophysical properties (such as structural, functional, and spatial information, amino acid conservation, physicochemical variation, residue mobility, and thermodynamic stability) performed at Invitae indicates that this missense variant is expected to disrupt MUT protein function with a positive predictive value of 95%. For these reasons, this variant has been classified as Pathogenic.

Literature cited by the submitters: PubMed 12402345 (cited by Natera, Inc. and Labcorp Genetics (formerly Invitae), Labcorp); PubMed 27167370 (cited by Natera, Inc.); PubMed 26077484 (cited by Natera, Inc.); PubMed 16281286 (cited by Natera, Inc. and Labcorp Genetics (formerly Invitae), Labcorp); PubMed 23430940 (cited by Natera, Inc.); PubMed 34668645 (cited by Natera, Inc.); PubMed 9554742 (cited by Labcorp Genetics (formerly Invitae), Labcorp); PubMed 27233228 (cited by Labcorp Genetics (formerly Invitae), Labcorp); PubMed 31622506 (cited by Labcorp Genetics (formerly Invitae), Labcorp); PubMed 31998365 (cited by Labcorp Genetics (formerly Invitae), Labcorp).